The following is an entry in ClinVar:

NM_005477.3(HCN4):c.2731C>T (p.His911Tyr)

Gene: HCN4 (hyperpolarization activated cyclic nucleotide gated potassium channel 4; minus strand). Cytogenetic location: 15q24.1.
Variant type: single nucleotide variant.
Coding change: c.2731C>T on transcript NM_005477.3 (MANE Select); coding-DNA position 2731, C replaced by T.
Protein change: p.His911Tyr; replaces histidine 911 with tyrosine.
Molecular consequence: missense variant.
Genome position (GRCh38, 1-based): chr15:73,323,362, G>A on the plus strand (C>T on the coding strand, the complement: HCN4 is on the minus strand). VCF-style: chr15-73323362-G-A. GRCh37 (hg19) VCF-style: chr15-73615703-G-A.
Other names: short protein forms H911Y.
Identifiers: ClinVar variation 2777754 (VCV002777754.3), dbSNP rs2549068653, ClinGen allele CA393088249.

ClinVar aggregate classification (germline): Uncertain significance (1 of 4 stars; one submission).

Conditions:
Brugada syndrome 8 (BRGDA8). Identifiers: Orphanet 130, MedGen C2751083, MONDO:0013148, OMIM 613123.

Submission:

Labcorp Genetics (formerly Invitae), Labcorp
Classification: Uncertain significance for Brugada syndrome 8. Last evaluated: 2023-07-03. Review status: criteria provided, single submitter. Criteria: Invitae Variant Classification Sherloc (09022015). Collection method: clinical testing. Allele origin: germline.
Comment: In summary, the available evidence is currently insufficient to determine the role of this variant in disease. Therefore, it has been classified as a Variant of Uncertain Significance. Advanced modeling of protein sequence and biophysical properties (such as structural, functional, and spatial information, amino acid conservation, physicochemical variation, residue mobility, and thermodynamic stability) performed at Invitae indicates that this missense variant is not expected to disrupt HCN4 protein function. This variant has not been reported in the literature in individuals affected with HCN4-related conditions. This variant is not present in population databases (gnomAD no frequency). This sequence change replaces histidine, which is basic and polar, with tyrosine, which is neutral and polar, at codon 911 of the HCN4 protein (p.His911Tyr).